The following is an entry in ClinVar:

NM_020163.3(SEMA3G):c.1916G>C (p.Gly639Ala)

Gene: SEMA3G (semaphorin 3G; minus strand). Cytogenetic location: 3p21.1.
Variant type: single nucleotide variant.
Coding change: c.1916G>C on transcript NM_020163.3 (MANE Select); coding-DNA position 1916, G replaced by C.
Protein change: p.Gly639Ala; replaces glycine 639 with alanine.
Molecular consequence: missense variant.
Genome position (GRCh38, 1-based): chr3:52,436,036, C>G on the plus strand (G>C on the coding strand, the complement: SEMA3G is on the minus strand). VCF-style: chr3-52436036-C-G. GRCh37 (hg19) VCF-style: chr3-52470052-C-G.
Other names: short protein forms G639A.
Identifiers: ClinVar variation 4989921 (VCV004989921.1).

ClinVar aggregate classification (germline): Uncertain significance (1 of 4 stars; one submission).

Conditions:
SEMA3G-related disorder. Also called: SEMA3G-related condition.

gnomAD v4.1: 10 of 1,612,688 alleles (0.00062%); highest among the groups gnomAD compares: Admixed American, 0.012%; no homozygotes.

Submission:

PreventionGenetics, part of Exact Sciences
Classification: Uncertain significance for SEMA3G-related condition. Last evaluated: 2025-03-17. Review status: criteria provided, single submitter. Criteria: ACMG Guidelines, 2015. Collection method: clinical testing. Allele origin: germline.
Comment: The SEMA3G c.1916G>C variant is predicted to result in the amino acid substitution p.Gly639Ala. To our knowledge, this variant has not been reported in the literature. This variant is reported in 0.014% of alleles in individuals of Latino descent in gnomAD. At this time, the clinical significance of this variant is uncertain due to the absence of conclusive functional and genetic evidence.